The following is an entry in ClinVar:

ClinVar aggregate classification (germline): other (0 of 4 stars; one submission).

Conditions:
Familial colorectal cancer. Identifiers: MedGen CN280943, MONDO:0023113. Disease mechanism: loss of function.

Allele frequency attached by ClinVar (database versions not stated): 1000 Genomes Project 0.02157; gnomAD 0.01102 and 0.01018; TOPMed 0.01652; 1000 Genomes Project 30x 0.02342.
gnomAD v4.1: 1,676 of 152,254 alleles (1.1%); highest among the groups gnomAD compares: Admixed American, 7.5%; 68 homozygotes.

Submission:

Systems Biology Platform Zhejiang California International NanoSystems Institute
Classification: other for Familial colorectal cancer. Review status: no assertion criteria provided. Collection method: not provided. Allele origin: unknown.
ClinVar note: Converted during submission from cancer to other.

NM_000038.6(APC):c.423-1323A>G

Gene: APC (APC regulator of WNT signaling pathway; plus strand). Cytogenetic location: 5q22.2.
Variant type: single nucleotide variant.
Coding change: c.423-1323A>G on transcript NM_000038.6 (MANE Select); 1323 bases into the intron before coding-DNA position 423, A replaced by G.
Molecular consequence: intron variant.
Genome position (GRCh38, 1-based): chr5:112,774,306, A>G. VCF-style: chr5-112774306-A-G. GRCh37 (hg19) VCF-style: chr5-112110003-A-G.
Other names: c.423-1323A>G (NM_001354895.2, NM_001127510.3, NM_001354896.2 and 2 more transcripts); c.453-1323A>G (NM_001354897.2, NM_001354902.2, NM_001127511.3); c.348-1323A>G (NM_001354898.2, NM_001354904.2); c.-613-1323A>G (NM_001354906.2); c.246-1323A>G (NM_001354900.2, NM_001354901.2, NM_001354905.2).
Identifiers: ClinVar variation 82421 (VCV000082421.2), dbSNP rs79801520, ClinGen allele CA009146.